The following is an entry in ClinVar:

ClinVar aggregate classification (germline): Conflicting classifications of pathogenicity. Review status: criteria provided, conflicting classifications (1 of 4 stars). 15 submissions from 15 submitters: Likely pathogenic (1); Uncertain significance (12); Likely benign (1). 1 of the submissions does not count toward it. Last evaluated 2026-04-08.

Conditions:
FH-related disorder. Also called: FH-related disorders; FH-related condition.
Hereditary cancer-predisposing syndrome. Also called: Tumor predisposition; Hereditary neoplastic syndrome; Hereditary Cancer Syndrome; Neoplastic Syndromes, Hereditary. Identifiers: Orphanet 140162, MedGen C0027672, MeSH D009386, MONDO:0015356.
Fumarase deficiency (FMRD). Also called: Fumarate Hydratase Deficiency; Fumaric aciduria. Identifiers: Orphanet 24, MedGen C0342770, MONDO:0011730, OMIM 606812.
Hereditary leiomyomatosis and renal cell cancer. Also called: MULTIPLE CUTANEOUS AND UTERINE LEIOMYOMATA 1, WITH OR WITHOUT RENAL CELL CARCINOMA; Reed syndrome; Multiple cutaneous and uterine leiomyomatosis; Cutaneous leiomyomata with uterine leiomyomata; Leiomyoma, hereditary multiple, of skin; Multiple cutaneous and uterine leiomyomata. Identifiers: Orphanet 523, MedGen C1708350, MONDO:0007888, OMIM 150800, HP:0007437. Disease mechanism: loss of function.

Allele frequency attached by ClinVar (database versions not stated): gnomAD exomes 0.00003 and 0.00006; gnomAD 0.00004 and 0.00005; TOPMed 0.00004; ExAC 0.00008.
gnomAD v4.1: 62 of 1,613,666 alleles (0.0038%); highest among the groups gnomAD compares: Middle Eastern, 0.15%; no homozygotes.

Submissions (16):

PreventionGenetics, part of Exact Sciences
Classification: Uncertain significance for FH-related condition. Last evaluated: 2026-04-08. Review status: criteria provided, single submitter. Criteria: ACMG Guidelines, 2015. Collection method: clinical testing. Allele origin: germline.
Comment: The FH c.580G>A variant is predicted to result in the amino acid substitution p.Ala194Thr. This variant has been reported in at least two individuals with phaeochromocytoma/paraganglioma (Castro-Vega et al. 2014. PubMed ID: 24334767; Zavoshi et al. 2023. PubMed ID: 36773955). This variant has also been observed in an individual with multiple cancers including squamous cell carcinoma of the epiglottis, renal cell carcinoma, pancreatic neuroendocrine tumor, and non-small-cell lung cancer (Aminian et al. 2024. PubMed ID: 38873645). This variant is reported in 0.0070% of alleles in individuals of European (non-Finnish) descent in gnomAD and has conflicting interpretations in ClinVar, ranging from likely pathogenic to uncertain to likely benign (Variation ID: 142075). At this time, the clinical significance of this variant is uncertain due to the absence of conclusive functional and genetic evidence.

Labcorp Genetics (formerly Invitae), Labcorp
Classification: Uncertain significance. Last evaluated: 2026-01-01. Review status: criteria provided, single submitter. Criteria: Invitae Variant Classification Sherloc (09022015). Collection method: clinical testing. Allele origin: germline.
Comment: This sequence change replaces alanine, which is neutral and non-polar, with threonine, which is neutral and polar, at codon 194 of the FH protein (p.Ala194Thr). This variant is present in population databases (rs587782215, gnomAD 0.01%). This missense change has been observed in individual(s) with clinical features of hereditary leiomyomatosis and renal cell cancer (HLRCC), paraganglioma, and/or pheochromocytoma (PMID: 24334767; internal data). ClinVar contains an entry for this variant (Variation ID: 142075). Invitae Evidence Modeling of protein sequence and biophysical properties (such as structural, functional, and spatial information, amino acid conservation, physicochemical variation, residue mobility, and thermodynamic stability) indicates that this missense variant is expected to disrupt FH protein function with a positive predictive value of 95%. RNA analysis performed to evaluate the impact of this missense change on mRNA splicing indicates it does not significantly alter splicing (internal data). In summary, the available evidence is currently insufficient to determine the role of this variant in disease. Therefore, it has been classified as a Variant of Uncertain Significance.

Center for Genomic Medicine, Rigshospitalet, Copenhagen University Hospital
Classification: Uncertain significance. Last evaluated: 2025-12-29. Review status: criteria provided, single submitter. Criteria: ACMG Guidelines, 2015. Collection method: clinical testing. Allele origin: germline.

Quest Diagnostics Nichols Institute San Juan Capistrano
Classification: Uncertain significance. Last evaluated: 2025-09-27. Review status: criteria provided, single submitter. Criteria: Quest Diagnostics criteria. Collection method: clinical testing. Allele origin: unknown.
Comment: The FH c.580G>A (p.Ala194Thr) variant has been reported in the published literature in individuals with pheochromocytoma/paraganglioma (PMID: 36773955 (2023), 24334767 (2014)) and non small cell lung cancer (PMID: 38873645 (2024)). The frequency of this variant in the general population (Genome Aggregation Database) is uninformative in the assessment of its pathogenicity. Analysis of this variant using bioinformatics tools for the prediction of the effect of amino acid changes on protein structure and function yielded predictions that this variant is damaging. Based on the available information, we are unable to determine the clinical significance of this variant.

Dasa
Classification: Uncertain significance. Last evaluated: 2025-08-01. Review status: criteria provided, single submitter. Criteria: DASA Assertion Criteria. Collection method: clinical testing. Allele origin: germline.
Comment: NM_000143.4(FH):c.580G>A (p.Ala194Thr) is a missense variant that results in the substitution of alanine with threonine. This variant is rare in population databases. Computational prediction algorithms are consistent with a deleterious effect. The currently available literature and clinical evidence are not sufficient to establish a definitive association between this variant and the reported condition. Therefore, this variant is classified as a variant of uncertain significance.

Ambry Genetics
Classification: Likely pathogenic for Hereditary cancer-predisposing syndrome. Last evaluated: 2025-07-16. Review status: criteria provided, single submitter. Criteria: Ambry Variant Classification Scheme 2023. Collection method: clinical testing. Allele origin: germline.
Comment: The p.A194T variant (also known as c.580G>A), located in coding exon 5 of the FH gene, results from a G to A substitution at nucleotide position 580. The alanine at codon 194 is replaced by threonine, an amino acid with similar properties. This variant has been reported in multiple patients with pheochromocytoma and/or paraganglioma (Castro-Vega LJ et al. Hum. Mol. Genet. 2014 May;23(9):2440-6; Zavoshi S et al. Urology. 2023 Jun;176:106-114; Fuchs TL et al. Am J Surg Pathol. 2023; Ambry internal data). This amino acid position is highly conserved in available vertebrate species. In addition, this alteration is predicted to be deleterious by in silico analysis and structural modeling (Aminian S et al. Case Rep Genet. 2024 Jun;2024:5591237; Ambry internal data). Based on the supporting evidence, this alteration is interpreted as likely pathogenic in association with pheochromocytoma and paraganglioma (PPGL), however its association with other features of hereditary leiomyomatosis and renal cell carcinoma syndrome is unclear.

Myriad Genetics, Inc.
Classification: Uncertain significance for Hereditary leiomyomatosis and renal cell cancer. Last evaluated: 2025-05-06. Review status: criteria provided, single submitter. Criteria: Myriad Autosomal Dominant, Autosomal Recessive and X-Linked Classification Criteria (2023). Collection method: clinical testing. Allele origin: unknown.
Comment: This variant is classified as a variant of uncertain significance as there is insufficient evidence to determine its impact on protein function and/or cancer risk.

GeneDx
Classification: Uncertain significance. Last evaluated: 2025-03-20. Review status: criteria provided, single submitter. Criteria: GeneDx Variant Classification Process June 2021. Collection method: clinical testing. Allele origin: germline. Affected: yes.
Comment: Observed in individuals with paraganglioma/pheochromocytoma, renal cell carcinoma, or other cancer (PMID: 24334767, 28552549, 36773955, 38873645); Not observed at significant frequency in large population cohorts (gnomAD); In silico analysis supports that this missense variant has a deleterious effect on protein structure/function; This variant is associated with the following publications: (PMID: 25004247, 24334767, 28552549, 34426522, 36773955, 35993574, 38873645)

Blueprint Genetics
Classification: Uncertain significance. Last evaluated: 2024-11-13. Review status: criteria provided, single submitter. Criteria: ACMG Guidelines, 2015. Collection method: clinical testing. Allele origin: germline.

3billion
Classification: Likely benign for Fumarase deficiency. Last evaluated: 2024-09-20. Review status: criteria provided, single submitter. Criteria: ACMG Guidelines, 2015. Collection method: clinical testing. Allele origin: germline. Affected: no.
Comment: The homozygous variant was found in patients diagnosed with another variant in a different gene, with no symptoms related to the gene containing the homozygous variant.

Baylor Genetics
Classification: Uncertain significance for Fumarase deficiency. Last evaluated: 2024-03-28. Review status: criteria provided, single submitter. Criteria: ACMG Guidelines, 2015. Collection method: clinical testing. Allele origin: unknown.

CeGaT Center for Human Genetics Tuebingen
Classification: Uncertain significance. Last evaluated: 2022-06-01. Review status: criteria provided, single submitter. Criteria: CeGaT Center For Human Genetics Tuebingen Variant Classification Criteria Version 2. Collection method: clinical testing. Allele origin: germline. Affected: yes. Observed: 1 variant allele.

Dubai Health Genomic Medicine Center, Dubai Health
Classification: Uncertain significance. Last evaluated: 2019-12-30. Review status: criteria provided, single submitter. Criteria: ACMG Guidelines, 2015. Collection method: clinical testing. Allele origin: germline. Affected: yes.
Comment: The p.Ala194Thr missense variant in FH has been previously reported in one individual with autosomal dominant pheochromocytoma (PCC) and paraganglioma (PGL) (PMID: 24334767). This variant was observed in 8/113540 (0.0070% 0 homozygotes) European Non-Finnish alleles in gnomAD (Genome Aggregation Database) and in 4/1980 (0.2% 0 homozygotes) alleles in the Greater Middle East (GME) Varioome database. This allele frequency might be high for autosomal dominant disease but can still be consistent with autosomal recessive inheritance. Computational prediction tools and conservation analysis suggest an impact to protein function though this information is not predictive enough to confirm pathogenicity. In summary more information is needed to determine the clinical significance of this variant.

Fulgent Genetics
Classification: Uncertain significance for Hereditary leiomyomatosis and renal cell cancer; Fumarase deficiency. Last evaluated: 2018-10-31. Review status: criteria provided, single submitter. Criteria: ACMG Guidelines, 2015. Collection method: clinical testing. Allele origin: unknown.

Natera, Inc.
Classification: Uncertain significance for Fumarase deficiency. Last evaluated: 2020-09-16. Review status: no assertion criteria provided. Collection method: clinical testing. Allele origin: germline. Not counted in ClinVar's aggregate classification.

Blake Wilde Laboratory, Roswell Park Comprehensive Cancer Center
No classification provided (evidence only). Condition: Hereditary leiomyomatosis and renal cell cancer. Review status: no classification provided. Collection method: in vitro. Allele origin: not applicable. Functional consequence: decreased enzyme activity. Not counted in ClinVar's aggregate classification.

Literature cited by the submitters: PubMed 24334767 (cited by 3 submitters); PubMed 36773955 (cited by 3 submitters); PubMed 38873645 (cited by Quest Diagnostics Nichols Institute San Juan Capistrano and Ambry Genetics); PubMed 35993574 (cited by Quest Diagnostics Nichols Institute San Juan Capistrano and Ambry Genetics); PubMed 25004247 (cited by Quest Diagnostics Nichols Institute San Juan Capistrano); PubMed 28371217 (cited by Ambry Genetics).

NM_000143.4(FH):c.580G>A (p.Ala194Thr)

Gene: FH (fumarate hydratase; minus strand). Cytogenetic location: 1q43.
Variant type: single nucleotide variant.
Coding change: c.580G>A on transcript NM_000143.4 (MANE Select); coding-DNA position 580, G replaced by A.
Protein change: p.Ala194Thr; replaces alanine 194 with threonine.
Molecular consequence: missense variant.
Genome position (GRCh38, 1-based): chr1:241,508,761, C>T on the plus strand (G>A on the coding strand, the complement: FH is on the minus strand). VCF-style: chr1-241508761-C-T. GRCh37 (hg19) VCF-style: chr1-241672061-C-T.
Other names: short protein forms A194T.
Identifiers: ClinVar variation 142075 (VCV000142075.62), dbSNP rs587782215, ClinGen allele CA167337.